The following is an entry in ClinVar:

ClinVar aggregate classification (germline): Conflicting classifications of pathogenicity. Review status: criteria provided, conflicting classifications (1 of 4 stars). 4 submissions from 4 submitters: Uncertain significance (2); Likely benign (1). 1 of the submissions does not count toward it. Last evaluated 2024-08-12.

Conditions:
Inborn genetic diseases. Identifiers: MedGen C0950123, MeSH D030342.
Nemaline myopathy 2 (NEM2). Also called: Nemaline myopathy 2, autosomal recessive. Identifiers: MedGen C1850569, MONDO:0009725, OMIM 256030.

Allele frequency attached by ClinVar (database versions not stated): gnomAD 0.00001; gnomAD exomes 0.00001 and 0.00002; ExAC 0.00002; TOPMed 0.00002.
gnomAD v4.1: 12 of 1,613,612 alleles (0.00074%); highest among the groups gnomAD compares: Middle Eastern, 0.016%; no homozygotes.

Submissions (4):

Labcorp Genetics (formerly Invitae), Labcorp
Classification: Likely benign for Nemaline myopathy 2. Last evaluated: 2024-08-12. Review status: criteria provided, single submitter. Criteria: Invitae Variant Classification Sherloc (09022015). Collection method: clinical testing. Allele origin: germline.

Ambry Genetics
Classification: Uncertain significance for Inborn genetic diseases. Last evaluated: 2024-06-19. Review status: criteria provided, single submitter. Criteria: Ambry Variant Classification Scheme 2023. Collection method: clinical testing. Allele origin: germline.

GeneDx
Classification: Uncertain significance. Last evaluated: 2023-06-29. Review status: criteria provided, single submitter. Criteria: GeneDx Variant Classification Process June 2021. Collection method: clinical testing. Allele origin: germline. Affected: yes.
Comment: Not observed at significant frequency in large population cohorts (gnomAD); In silico analysis supports that this missense variant has a deleterious effect on protein structure/function; Has not been previously published as pathogenic or benign to our knowledge

Natera, Inc.
Classification: Uncertain significance for Nemaline myopathy type 2. Last evaluated: 2020-09-16. Review status: no assertion criteria provided. Collection method: clinical testing. Allele origin: germline. Not counted in ClinVar's aggregate classification.

NM_001164508.2(NEB):c.5566C>T (p.Arg1856Trp)

Gene: NEB (nebulin; minus strand). Cytogenetic location: 2q23.3.
Variant type: single nucleotide variant.
Coding change: c.5566C>T on transcript NM_001164508.2 (MANE Select); coding-DNA position 5566, C replaced by T.
Protein change: p.Arg1856Trp; replaces arginine 1856 with tryptophan.
Molecular consequence: missense variant.
Genome position (GRCh38, 1-based): chr2:151,663,745, G>A on the plus strand (C>T on the coding strand, the complement: NEB is on the minus strand). VCF-style: chr2-151663745-G-A. GRCh37 (hg19) VCF-style: chr2-152520259-G-A.
Other names: c.5566C>T, p.Arg1856Trp (NM_001164507.2, NM_001271208.2, NM_004543.5); c.5566C>T (NM_004543.4); short protein forms R1856W.
Identifiers: ClinVar variation 652481 (VCV000652481.9), dbSNP rs755791156, ClinGen allele CA1910338.
Genomic context (GRCh38, chr2:151,663,745, plus strand): 5'-GCATGTCCACCGGGGTGTGGAAGGAGGTCTTGGATTTCTCATATCCCTTCTTGTATTCCC[G>A]GTCTGACTGCATCTTGGCCACTTGCATGAAGTGCACCAGCTTGGGGTCATCTTCCAGGCT-3'
Protein context (NP_001157980.2, residues 1846-1866): FMQVAKMQSD[Arg1856Trp]EYKKGYEKSK